The following is an entry in ClinVar:

NM_002141.5(HOXA4):c.165G>T (p.Leu55=)

Genes: HOXA3 (homeobox A3; minus strand), HOXA4 (homeobox A4; minus strand). Cytogenetic location: 7p15.2.
Variant type: single nucleotide variant.
Coding change: c.165G>T on transcript NM_002141.5 (MANE Select); coding-DNA position 165, G replaced by T.
Protein change: p.Leu55=; no amino-acid change (leucine 55 retained).
Molecular consequence: synonymous variant. On other transcripts: intron variant (7).
Genome position (GRCh38, 1-based): chr7:27,130,569, C>A on the plus strand (G>T on the coding strand, the complement: HOXA4 is on the minus strand). VCF-style: chr7-27130569-C-A. GRCh37 (hg19) VCF-style: chr7-27170188-C-A.
Other names: c.-389-3499G>T (NM_153631.3, NM_001384340.1); c.-505-3499G>T (NM_001384335.1, NM_001384339.1); c.-204-7927G>T (NM_001384336.1, NM_001384338.1); c.-677-3499G>T (NM_001384337.1).
Identifiers: ClinVar variation 2657363 (VCV002657363.24), dbSNP rs532084815, ClinGen allele CA4196817.

ClinVar aggregate classification (germline): Likely benign (1 of 4 stars; one submission).

Allele frequency attached by ClinVar (database versions not stated): 1000 Genomes Project 0.00140; 1000 Genomes Project 30x 0.00250; TOPMed 0.00470; gnomAD 0.00561; ExAC 0.00565.
gnomAD v4.1: 10,004 of 1,444,114 alleles (0.69%); highest among the groups gnomAD compares: Non-Finnish European, 0.81%; 59 homozygotes.

Submission:

CeGaT Center for Human Genetics Tuebingen
Classification: Likely benign. Last evaluated: 2023-10-01. Review status: criteria provided, single submitter. Criteria: CeGaT Center For Human Genetics Tuebingen Variant Classification Criteria Version 2. Collection method: clinical testing. Allele origin: germline. Affected: yes. Observed: 2 variant alleles.
Comment: HOXA4: BP4, BP7, BS2